The following is an entry in ClinVar:

ClinVar aggregate classification (germline): Uncertain significance (1 of 4 stars; one submission).

Conditions:
NR0B2-related disorder. Also called: NR0B2-related condition.

gnomAD v4.1: 11 of 1,612,632 alleles (0.00068%); highest among the groups gnomAD compares: Non-Finnish European, 0.00025%; no homozygotes.

Submission:

PreventionGenetics, part of Exact Sciences
Classification: Uncertain significance for NR0B2-related condition. Last evaluated: 2025-01-29. Review status: criteria provided, single submitter. Criteria: ACMG Guidelines, 2015. Collection method: clinical testing. Allele origin: germline.
Comment: The NR0B2 c.251A>G variant is predicted to result in the amino acid substitution p.Gln84Arg. To our knowledge, this variant has not been reported in the literature. This variant is reported in 0.019% of alleles in individuals of Ashkenazi Jewish descent in gnomAD. At this time, the clinical significance of this variant is uncertain due to the absence of conclusive functional and genetic evidence.

NM_021969.3(NR0B2):c.251A>G (p.Gln84Arg)

Genes: NR0B2 (nuclear receptor subfamily 0 group B member 2; minus strand), NUDC (nuclear distribution C, dynein complex regulator; plus strand). Cytogenetic location: 1p36.11.
Variant type: single nucleotide variant.
Coding change: c.251A>G on transcript NM_021969.3 (MANE Select); coding-DNA position 251, A replaced by G.
Protein change: p.Gln84Arg; replaces glutamine 84 with arginine.
Molecular consequence: missense variant.
Genome position (GRCh38, 1-based): chr1:26,913,690, T>C on the plus strand (A>G on the coding strand, the complement: NR0B2 is on the minus strand). VCF-style: chr1-26913690-T-C. GRCh37 (hg19) VCF-style: chr1-27240181-T-C.
Other names: short protein forms Q84R.
Identifiers: ClinVar variation 4980005 (VCV004980005.1).